The following is an entry in ClinVar:

ClinVar aggregate classification (germline): Uncertain significance. Review status: criteria provided, multiple submitters, no conflicts (2 of 4 stars). 6 submissions from 6 submitters: Uncertain significance (5). 1 of the submissions does not count toward it. Last evaluated 2025-05-05.

Conditions:
Hereditary cancer-predisposing syndrome. Also called: Hereditary Cancer Syndrome; Hereditary neoplastic syndrome; Tumor predisposition; Neoplastic Syndromes, Hereditary. Identifiers: Orphanet 140162, MedGen C0027672, MeSH D009386, MONDO:0015356.
Nijmegen breakage syndrome-like disorder (NBSLD). Also called: MICROCEPHALY AND SPONTANEOUS CHROMOSOME INSTABILITY WITHOUT IMMUNODEFICIENCY; NBS-LIKE DISORDER; RAD50 DEFICIENCY. Identifiers: Orphanet 240760, MedGen C2751318, MONDO:0013118, OMIM 613078.
Familial cancer of breast. Also called: BREAST CANCER, FAMILIAL; hereditary breast carcinoma; Hereditary breast cancer. Identifiers: Orphanet 227535, MedGen C0346153, MONDO:0016419, OMIM 114480. Disease mechanism: loss of function.

Allele frequency attached by ClinVar (database versions not stated): gnomAD exomes 0.00001 and 0.00003; ExAC 0.00003; TOPMed 0.00003; gnomAD 0.00005.
gnomAD v4.1: 29 of 1,613,638 alleles (0.0018%); highest among the groups gnomAD compares: African/African-American, 0.008%; no homozygotes.

Submissions (6):

Labcorp Genetics (formerly Invitae), Labcorp
Classification: Uncertain significance for Hereditary cancer-predisposing syndrome. Last evaluated: 2025-05-05. Review status: criteria provided, single submitter. Criteria: Invitae Variant Classification Sherloc (09022015). Collection method: clinical testing. Allele origin: germline.
Comment: This sequence change replaces arginine, which is basic and polar, with glutamine, which is neutral and polar, at codon 1077 of the RAD50 protein (p.Arg1077Gln). This variant is present in population databases (rs104895051, gnomAD 0.008%). This variant has not been reported in the literature in individuals affected with RAD50-related conditions. ClinVar contains an entry for this variant (Variation ID: 127004). Invitae Evidence Modeling of protein sequence and biophysical properties (such as structural, functional, and spatial information, amino acid conservation, physicochemical variation, residue mobility, and thermodynamic stability) indicates that this missense variant is expected to disrupt RAD50 protein function with a positive predictive value of 80%. In summary, the available evidence is currently insufficient to determine the role of this variant in disease. Therefore, it has been classified as a Variant of Uncertain Significance.

KCCC/NGS Laboratory, Kuwait Cancer Control Center
Classification: Uncertain significance for Familial cancer of breast. Last evaluated: 2024-11-03. Review status: criteria provided, single submitter. Criteria: ACMG Guidelines, 2015. Collection method: clinical testing. Allele origin: germline. Inheritance: Autosomal dominant inheritance. Affected: yes. Observed: 1 heterozygote.
Comment: This sequence change replaces arginine, which is basic and polar, with glutamine, which is neutral and polar, at codon 1077 of the RAD50 protein (p.Arg1077Gln).This amino acid position is highly conserved. This variant is present in population databases (rs104895051, gnomAD 0.008%). This variant has not been reported in the literature in individuals affected with RAD50-related conditions. ClinVar contains an entry for this variant (Variation ID: 127004). In addition, the in silico prediction for this alteration is inconclusive. In summary, the available evidence is currently insufficient to determine the role of this variant in disease. Therefore, it has been classified as a Variant of Uncertain Significance.

Ambry Genetics
Classification: Uncertain significance for Hereditary cancer-predisposing syndrome. Last evaluated: 2023-01-12. Review status: criteria provided, single submitter. Criteria: Ambry Variant Classification Scheme 2023. Collection method: clinical testing. Allele origin: germline.
Comment: The p.R1077Q variant (also known as c.3230G>A), located in coding exon 21 of the RAD50 gene, results from a G to A substitution at nucleotide position 3230. The arginine at codon 1077 is replaced by glutamine, an amino acid with highly similar properties. This amino acid position is highly conserved in available vertebrate species. In addition, the in silico prediction for this alteration is inconclusive. Since supporting evidence is limited at this time, the clinical significance of this alteration remains unclear.

Women's Health and Genetics/Laboratory Corporation of America, LabCorp
Classification: Uncertain significance. Last evaluated: 2021-02-19. Review status: criteria provided, single submitter. Criteria: LabCorp Variant Classification Summary - May 2015. Collection method: clinical testing. Allele origin: germline.
Comment: Variant summary: RAD50 c.3230G>A (p.Arg1077Gln) results in a conservative amino acid change in the encoded protein sequence. Four of five in-silico tools predict a benign effect of the variant on protein function. The variant allele was found at a frequency of 2.8e-05 in 251224 control chromosomes (gnomAD v2.1 exomes dataset). The available data on variant occurrences in the general population are insufficient to allow any conclusion about variant significance. c.3230G>A has been reported in the literature in at least one affected individual found during hereditary-cancer testing, however no disease phenotype was provided (Mu_2016). This report does not provide unequivocal conclusions about association of the variant with Hereditary Breast and Ovarian Cancer Syndrome. To our knowledge, no experimental evidence demonstrating an impact on protein function has been reported. Three other clinical diagnostic laboratories have submitted clinical-significance assessments for this variant to ClinVar after 2014 without evidence for independent evaluation. All laboratories classified the variant as uncertain significance. Based on the evidence outlined above, the variant was classified as uncertain significance.

Genomic Research Center, Shahid Beheshti University of Medical Sciences
Classification: Uncertain significance for Hereditary cancer-predisposing syndrome. Last evaluated: 2020-05-03. Review status: criteria provided, single submitter. Criteria: ACMG Guidelines, 2015. Collection method: clinical testing. Allele origin: unknown. Affected: yes.

Harris Lab, University of Minnesota
No classification provided. Review status: no classification provided. Collection method: not provided. Allele origin: unknown. Not counted in ClinVar's aggregate classification.

Literature cited by the submitters: PubMed 27720647 (cited by Women's Health and Genetics/Laboratory Corporation of America, LabCorp).

NM_005732.4(RAD50):c.3230G>A (p.Arg1077Gln)

Gene: RAD50 (RAD50 double strand break repair protein; plus strand). Cytogenetic location: 5q31.1.
Variant type: single nucleotide variant.
Coding change: c.3230G>A on transcript NM_005732.4 (MANE Select); coding-DNA position 3230, G replaced by A.
Protein change: p.Arg1077Gln; replaces arginine 1077 with glutamine.
Molecular consequence: missense variant.
Genome position (GRCh38, 1-based): chr5:132,618,135, G>A. VCF-style: chr5-132618135-G-A. GRCh37 (hg19) VCF-style: chr5-131953827-G-A.
Other names: short protein forms R1077Q.
Identifiers: ClinVar variation 127004 (VCV000127004.20), dbSNP rs104895051, ClinGen allele CA165283.